The following is an entry in ClinVar:

NM_182914.3(SYNE2):c.1987T>C (p.Ser663Pro)

Gene: SYNE2 (spectrin repeat containing nuclear envelope protein 2; plus strand). Cytogenetic location: 14q23.2.
Variant type: single nucleotide variant.
Coding change: c.1987T>C on transcript NM_182914.3 (MANE Select); coding-DNA position 1987, T replaced by C.
Protein change: p.Ser663Pro; replaces serine 663 with proline.
Molecular consequence: missense variant.
Genome position (GRCh38, 1-based): chr14:63,982,780, T>C. VCF-style: chr14-63982780-T-C. GRCh37 (hg19) VCF-style: chr14-64449498-T-C.
Other names: c.1987T>C, p.Ser663Pro (NM_015180.6); short protein forms S663P.
Identifiers: ClinVar variation 4739373 (VCV004739373.1).
Genomic context (GRCh38, chr14:63,982,780, plus strand): 5'-GTTGGATCATCTATTTCTAAAGAACTGAGAAGGCTGAATAAAAGATGGAGAAAGTTGGTT[T>C]CAAAAACTCAACTTGTAAGTTCTTTTGATTGGTTGCAGCTTTATTTAGATATGATTCATG-3'
Protein context (NP_878918.2, residues 653-673): RLNKRWRKLV[Ser663Pro]KTQLEMNLPL

ClinVar aggregate classification (germline): Uncertain significance (1 of 4 stars; one submission).

Conditions:
Emery-Dreifuss muscular dystrophy 5, autosomal dominant (EDMD5). Also called: EMERY-DREIFUSS MUSCULAR DYSTROPHY 5. Identifiers: Orphanet 261, MedGen C2751805, MONDO:0013072, OMIM 612999.

gnomAD v4.1: 3 of 1,613,906 alleles (0.00019%); highest among the groups gnomAD compares: African/African-American, 0.0027%; no homozygotes.

Submission:

Labcorp Genetics (formerly Invitae), Labcorp
Classification: Uncertain significance for Emery-Dreifuss muscular dystrophy 5, autosomal dominant. Last evaluated: 2025-06-05. Review status: criteria provided, single submitter. Criteria: Invitae Variant Classification Sherloc (09022015). Collection method: clinical testing. Allele origin: germline.
Comment: This sequence change replaces serine, which is neutral and polar, with proline, which is neutral and non-polar, at codon 663 of the SYNE2 protein (p.Ser663Pro). This variant is present in population databases (rs766440549, gnomAD 0.01%). This variant has not been reported in the literature in individuals affected with SYNE2-related conditions. An algorithm developed to predict the effect of missense changes on protein structure and function outputs the following: PolyPhen-2: "Benign". The proline amino acid residue is found in multiple mammalian species, which suggests that this missense change does not adversely affect protein function. In summary, the available evidence is currently insufficient to determine the role of this variant in disease. Therefore, it has been classified as a Variant of Uncertain Significance.